The following is an entry in ClinVar:

ClinVar aggregate classification (germline): Uncertain significance (1 of 4 stars; one submission).

Conditions:
Hypertrophic cardiomyopathy. Also called: HYPERTROPHIC MYOCARDIOPATHY. Identifiers: Orphanet 217569, MedGen C0007194, MeSH D002312, MONDO:0005045, HP:0001639.

Allele frequency attached by ClinVar (database versions not stated): TOPMed 0.00001.

Submission:

Labcorp Genetics (formerly Invitae), Labcorp
Classification: Uncertain significance for Hypertrophic cardiomyopathy. Last evaluated: 2021-01-24. Review status: criteria provided, single submitter. Criteria: Invitae Variant Classification Sherloc (09022015). Collection method: clinical testing. Allele origin: germline.
Comment: In summary, the available evidence is currently insufficient to determine the role of this variant in disease. Therefore, it has been classified as a Variant of Uncertain Significance. Algorithms developed to predict the effect of missense changes on protein structure and function (SIFT, PolyPhen-2, Align-GVGD) all suggest that this variant is likely to be tolerated, but these predictions have not been confirmed by published functional studies and their clinical significance is uncertain. This variant has not been reported in the literature in individuals with MYBPC3-related conditions. This variant is not present in population databases (ExAC no frequency). This sequence change replaces serine with asparagine at codon 217 of the MYBPC3 protein (p.Ser217Asn). The serine residue is moderately conserved and there is a small physicochemical difference between serine and asparagine.

NM_000256.3(MYBPC3):c.650G>A (p.Ser217Asn)

Gene: MYBPC3 (myosin binding protein C3; minus strand). Cytogenetic location: 11p11.2.
Variant type: single nucleotide variant.
Coding change: c.650G>A on transcript NM_000256.3 (MANE Select); coding-DNA position 650, G replaced by A.
Protein change: p.Ser217Asn; replaces serine 217 with asparagine.
Molecular consequence: missense variant.
Genome position (GRCh38, 1-based): chr11:47,349,778, C>T on the plus strand (G>A on the coding strand, the complement: MYBPC3 is on the minus strand). VCF-style: chr11-47349778-C-T. GRCh37 (hg19) VCF-style: chr11-47371329-C-T.
Other names: short protein forms S217N.
Identifiers: ClinVar variation 1407526 (VCV001407526.8), dbSNP rs1047547145, ClinGen allele CA221706544.